The following is an entry in ClinVar:

ClinVar aggregate classification (germline): Conflicting classifications of pathogenicity. Review status: criteria provided, conflicting classifications (1 of 4 stars). 2 submissions from 2 submitters: Uncertain significance (1); Likely benign (1). Last evaluated 2025-07-27.

Conditions:
Hereditary cancer-predisposing syndrome. Also called: Hereditary Cancer Syndrome; Hereditary neoplastic syndrome; Tumor predisposition; Neoplastic Syndromes, Hereditary. Identifiers: Orphanet 140162, MedGen C0027672, MeSH D009386, MONDO:0015356.
Cardiovascular phenotype. Identifiers: MedGen CN230736.

gnomAD v4.1: 1 of 1,608,422 alleles (0.000062%); highest among the groups gnomAD compares: Non-Finnish European, 0.000085%; no homozygotes.

Submissions (2):

Labcorp Genetics (formerly Invitae), Labcorp
Classification: Likely benign. Last evaluated: 2025-07-27. Review status: criteria provided, single submitter. Criteria: Invitae Variant Classification Sherloc (09022015). Collection method: clinical testing. Allele origin: germline.

Ambry Genetics
Classification: Uncertain significance for Cardiovascular phenotype; Hereditary cancer-predisposing syndrome. Last evaluated: 2024-11-26. Review status: criteria provided, single submitter. Criteria: Ambry Variant Classification Scheme 2023. Collection method: clinical testing. Allele origin: germline.
Comment: The c.321-5C>A intronic variant results from a C to A substitution 5 nucleotides upstream from coding exon 4 in the LZTR1 gene. This nucleotide position is poorly conserved in available vertebrate species. In silico splice site analysis predicts that this alteration will not have any significant effect on splicing. Based on the available evidence, the clinical significance of this variant remains unclear.

NM_006767.4(LZTR1):c.321-5C>A

Gene: LZTR1 (leucine zipper like post translational regulator 1; plus strand). Cytogenetic location: 22q11.21.
Variant type: single nucleotide variant.
Coding change: c.321-5C>A on transcript NM_006767.4 (MANE Select); 5 bases into the intron before coding-DNA position 321, C replaced by A.
Molecular consequence: intron variant.
Genome position (GRCh38, 1-based): chr22:20,987,499, C>A. VCF-style: chr22-20987499-C-A. GRCh37 (hg19) VCF-style: chr22-21341788-C-A.
Identifiers: ClinVar variation 3541538 (VCV003541538.2).